The following is an entry in ClinVar:

NM_000238.4(KCNH2):c.1293C>A (p.Phe431Leu)

Gene: KCNH2 (potassium voltage-gated channel subfamily H member 2; minus strand). Cytogenetic location: 7q36.1.
Variant type: single nucleotide variant.
Coding change: c.1293C>A on transcript NM_000238.4 (MANE Select); coding-DNA position 1293, C replaced by A.
Protein change: p.Phe431Leu; replaces phenylalanine 431 with leucine.
Molecular consequence: missense variant.
Genome position (GRCh38, 1-based): chr7:150,952,689, G>T on the plus strand (C>A on the coding strand, the complement: KCNH2 is on the minus strand). VCF-style: chr7-150952689-G-T. GRCh37 (hg19) VCF-style: chr7-150649777-G-T.
Other names: c.1293C>A (LRG_288t1); c.273C>A, p.Phe91Leu (NM_001204798.2, NM_172057.3); c.1005C>A, p.Phe335Leu (NM_001406753.1, NM_001406756.1); c.1116C>A, p.Phe372Leu (NM_001406755.1); c.993C>A, p.Phe331Leu (NM_001406757.1); c.1293C>A, p.Phe431Leu (NM_172056.3); short protein forms F431L, F91L, F331L, F335L, F372L.
Identifiers: ClinVar variation 67183 (VCV000067183.11), dbSNP rs199472900, ClinGen allele CA004434.

ClinVar aggregate classification (germline): Conflicting classifications of pathogenicity. Review status: criteria provided, conflicting classifications (1 of 4 stars). 5 submissions from 5 submitters: Pathogenic (1); Likely pathogenic (2); Uncertain significance (1). 1 of the submissions does not count toward it. Last evaluated 2023-01-23.

Conditions:
KCNH2-related disorder. Also called: KCNH2-related disorders; KCNH2-related condition.
Cardiovascular phenotype. Identifiers: MedGen CN230736.
Familial long QT syndrome (RWS). Also called: Congenital long QT syndrome; Romano-Ward syndrome; VENTRICULAR FIBRILLATION WITH PROLONGED QT INTERVAL. Identifiers: Orphanet 768, MedGen C1141890, MONDO:0019171.
Long QT syndrome (LQTS). Identifiers: MedGen C0023976, MeSH D008133, MONDO:0002442. Disease mechanism: loss of function. Inheritance: Various modes of inheritance.

Submissions (5):

Blueprint Genetics
Classification: Likely pathogenic for KCNH2-related disorders. Last evaluated: 2023-01-23. Review status: criteria provided, single submitter. Criteria: ACMG Guidelines, 2015. Collection method: clinical testing. Allele origin: germline. Affected: yes. Observed: 2 variant alleles.

Ambry Genetics
Classification: Pathogenic for Cardiovascular phenotype. Last evaluated: 2021-10-28. Review status: criteria provided, single submitter. Criteria: Ambry Variant Classification Scheme 2023. Collection method: clinical testing. Allele origin: germline.
Comment: The p.F431L pathogenic mutation (also known as c.1293C>A), located in coding exon 6 of the KCNH2 gene, results from a C to A substitution at nucleotide position 1293. The phenylalanine at codon 431 is replaced by leucine, an amino acid with highly similar properties, and is located in the S1/S2 transmembrane-spanning region of the protein. This alteration has been reported in a long QT syndrome genetic testing cohort, as well as in an individual with a clinical diagnosis of long QT syndrome, segregating in multiple affected family members (Kapplinger JD et al. Heart Rhythm, 2009 Sep;6:1297-303; GeneDx pers. comm.). This variant is considered to be rare based on population cohorts in the Genome Aggregation Database (gnomAD). In addition, this alteration is predicted to be deleterious by in silico analysis. Based on the supporting evidence, this alteration is interpreted as a disease-causing mutation.

Labcorp Genetics (formerly Invitae), Labcorp
Classification: Uncertain significance for Long QT syndrome. Last evaluated: 2021-05-30. Review status: criteria provided, single submitter. Criteria: Invitae Variant Classification Sherloc (09022015). Collection method: clinical testing. Allele origin: germline.
Comment: This variant is not present in population databases (ExAC no frequency). This sequence change replaces phenylalanine with leucine at codon 431 of the KCNH2 protein (p.Phe431Leu). The phenylalanine residue is highly conserved and there is a small physicochemical difference between phenylalanine and leucine. This variant has been observed in individual(s) with clinical features of long QT syndrome (PMID: 19716085). ClinVar contains an entry for this variant (Variation ID: 67183). In summary, the available evidence is currently insufficient to determine the role of this variant in disease. Therefore, it has been classified as a Variant of Uncertain Significance. Algorithms developed to predict the effect of missense changes on protein structure and function are either unavailable or do not agree on the potential impact of this missense change (SIFT: "Deleterious"; PolyPhen-2: "Probably Damaging"; Align-GVGD: "Class C15").

GeneDx
Classification: Likely pathogenic. Last evaluated: 2018-05-10. Review status: criteria provided, single submitter. Criteria: GeneDx Variant Classification (06012015). Collection method: clinical testing. Allele origin: germline. Affected: yes.
Comment: The F431L variant that is likely pathogenic was identified in the KCNH2 gene. The F431L variant has been reported in at least one individual referred for LQTS testing (Kapplinger et al., 2009). Furthermore, this variant has been shown to segregate with disease in many affected relatives from a large family referred for LQTS testing at GeneDx. Additionally, the F431L variant is not observed in large population cohorts (Lek et al., 2016). Although, the F431L variant is a conservative amino acid substitution, in silico analysis, which includes protein predictors and evolutionary conservation, supports a deleterious effect.

Cardiovascular Biomedical Research Unit, Royal Brompton & Harefield NHS Foundation Trust
No classification provided. Condition: Familial long QT syndrome. Review status: no classification provided. Collection method: literature only. Allele origin: germline. Not counted in ClinVar's aggregate classification.
Comment: This variant has been reported as associated with Long QT syndrome in the following publications (PMID:19716085). This is a literature report, and does not necessarily reflect the clinical interpretation of the Imperial College / Royal Brompton Cardiovascular Genetics laboratory.

Literature cited by the submitters: PubMed 19716085 (cited by Labcorp Genetics (formerly Invitae), Labcorp and Cardiovascular Biomedical Research Unit, Royal Brompton & Harefield NHS Foundation Trust); PubMed 22581653 (cited by Cardiovascular Biomedical Research Unit, Royal Brompton & Harefield NHS Foundation Trust).